The following is an entry in ClinVar:

ClinVar aggregate classification (germline): Uncertain significance (1 of 4 stars; one submission).

Allele frequency attached by ClinVar (database versions not stated): gnomAD exomes below 0.00001.
gnomAD v4.1: 2 of 1,613,670 alleles (0.00012%); highest among the groups gnomAD compares: Admixed American, 0.0033%; no homozygotes.

Submission:

Labcorp Genetics (formerly Invitae), Labcorp
Classification: Uncertain significance. Last evaluated: 2022-10-21. Review status: criteria provided, single submitter. Criteria: Invitae Variant Classification Sherloc (09022015). Collection method: clinical testing. Allele origin: germline.
Comment: This variant is present in population databases (no rsID available, gnomAD 0.006%). This variant has not been reported in the literature in individuals affected with DOCK6-related conditions. Advanced modeling of protein sequence and biophysical properties (such as structural, functional, and spatial information, amino acid conservation, physicochemical variation, residue mobility, and thermodynamic stability) performed at Invitae indicates that this missense variant is not expected to disrupt DOCK6 protein function. In summary, the available evidence is currently insufficient to determine the role of this variant in disease. Therefore, it has been classified as a Variant of Uncertain Significance. This sequence change replaces glycine, which is neutral and non-polar, with aspartic acid, which is acidic and polar, at codon 1425 of the DOCK6 protein (p.Gly1425Asp).

NM_020812.4(DOCK6):c.4274G>A (p.Gly1425Asp)

Genes: DOCK6 (dedicator of cytokinesis 6; minus strand), DOCK6-AS1 (DOCK6 antisense RNA 1; plus strand). Cytogenetic location: 19p13.2.
Variant type: single nucleotide variant.
Coding change: c.4274G>A on transcript NM_020812.4 (MANE Select); coding-DNA position 4274, G replaced by A.
Protein change: p.Gly1425Asp; replaces glycine 1425 with aspartic acid.
Molecular consequence: missense variant.
Genome position (GRCh38, 1-based): chr19:11,214,339, C>T on the plus strand (G>A on the coding strand, the complement: DOCK6 is on the minus strand). VCF-style: chr19-11214339-C-T. GRCh37 (hg19) VCF-style: chr19-11325015-C-T.
Other names: c.4379G>A, p.Gly1460Asp (NM_001367830.1); short protein forms G1425D, G1460D.
Identifiers: ClinVar variation 2788621 (VCV002788621.2), dbSNP rs1460868126, ClinGen allele CA404083427.